The following is an entry in ClinVar:

ClinVar aggregate classification (germline): Uncertain significance. Review status: criteria provided, multiple submitters, no conflicts (2 of 4 stars). 2 submissions from 2 submitters: Uncertain significance (2). Last evaluated 2025-04-17.

Conditions:
Otosclerosis 12. Identifiers: MedGen C5935610, MONDO:0968980, OMIM 620792.
Rhabdoid tumor predisposition syndrome 2 (RTPS2). Identifiers: Orphanet 231108, Orphanet 69077, MedGen C2750074, MONDO:0013224, OMIM 613325.
Intellectual disability, autosomal dominant 16 (CSS4). Also called: COFFIN-SIRIS SYNDROME 4. Identifiers: Orphanet 1465, MedGen C3553249, MONDO:0013821, OMIM 614609.

Submissions (2):

Labcorp Genetics (formerly Invitae), Labcorp
Classification: Uncertain significance for Rhabdoid tumor predisposition syndrome 2. Last evaluated: 2025-04-17. Review status: criteria provided, single submitter. Criteria: Invitae Variant Classification Sherloc (09022015). Collection method: clinical testing. Allele origin: germline.
Comment: This sequence change replaces alanine, which is neutral and non-polar, with valine, which is neutral and non-polar, at codon 294 of the SMARCA4 protein (p.Ala294Val). This variant is not present in population databases (gnomAD no frequency). This variant has not been reported in the literature in individuals affected with SMARCA4-related conditions. ClinVar contains an entry for this variant (Variation ID: 2918203). An algorithm developed to predict the effect of missense changes on protein structure and function (PolyPhen-2) suggests that this variant is likely to be tolerated. In summary, the available evidence is currently insufficient to determine the role of this variant in disease. Therefore, it has been classified as a Variant of Uncertain Significance.

Fulgent Genetics
Classification: Uncertain significance for Rhabdoid tumor predisposition syndrome 2; Intellectual disability, autosomal dominant 16; Otosclerosis 12. Last evaluated: 2024-06-21. Review status: criteria provided, single submitter. Criteria: ACMG Guidelines, 2015. Collection method: clinical testing. Allele origin: germline.

NM_003072.5(SMARCA4):c.881C>T (p.Ala294Val)

Gene: SMARCA4 (SWI/SNF related BAF chromatin remodeling complex subunit ATPase 4; plus strand). Cytogenetic location: 19p13.2.
Variant type: single nucleotide variant.
Coding change: c.881C>T on transcript NM_003072.5 (MANE Select); coding-DNA position 881, C replaced by T.
Protein change: p.Ala294Val; replaces alanine 294 with valine.
Molecular consequence: missense variant. On other transcripts: non-coding transcript variant (1).
Genome position (GRCh38, 1-based): chr19:10,987,687, C>T. VCF-style: chr19-10987687-C-T. GRCh37 (hg19) VCF-style: chr19-11098363-C-T.
Other names: c.881C>T, p.Ala294Val (NM_001128844.3, NM_001128845.2, NM_001128846.2 and 6 more transcripts); c.881C>T (NM_001128849.2); short protein forms A294V.
Identifiers: ClinVar variation 2918203 (VCV002918203.4), dbSNP rs1568426302, ClinGen allele CA404058365.